The following is an entry in ClinVar:

ClinVar aggregate classification (germline): Conflicting classifications of pathogenicity. Review status: criteria provided, conflicting classifications (1 of 4 stars). 3 submissions from 3 submitters: Uncertain significance (1); Likely benign (2). Last evaluated 2025-01-08.

Conditions:
Osteopetrosis with renal tubular acidosis (OPTB3). Also called: Autosomal recessive osteopetrosis 3. Identifiers: Orphanet 2785, MedGen C0345407, MONDO:0009818, OMIM 259730.

Allele frequency attached by ClinVar (database versions not stated): ExAC 0.00001; gnomAD 0.00001; gnomAD exomes 0.00001 and 0.00003; TOPMed 0.00002; ESP Exome Variant Server 0.00008.

Submissions (3):

Labcorp Genetics (formerly Invitae), Labcorp
Classification: Likely benign. Last evaluated: 2025-01-08. Review status: criteria provided, single submitter. Criteria: Invitae Variant Classification Sherloc (09022015). Collection method: clinical testing. Allele origin: germline.

CeGaT Center for Human Genetics Tuebingen
Classification: Likely benign. Last evaluated: 2023-05-01. Review status: criteria provided, single submitter. Criteria: CeGaT Center For Human Genetics Tuebingen Variant Classification Criteria Version 2. Collection method: clinical testing. Allele origin: germline. Affected: yes. Observed: 1 variant allele.
Comment: CA2: BP4, BP7

Fulgent Genetics
Classification: Uncertain significance for Osteopetrosis with renal tubular acidosis. Last evaluated: 2022-04-25. Review status: criteria provided, single submitter. Criteria: ACMG Guidelines, 2015. Collection method: clinical testing. Allele origin: unknown.

NM_000067.3(CA2):c.339A>G (p.Lys113=)

Gene: CA2 (carbonic anhydrase 2; plus strand). Cytogenetic location: 8q21.2.
Variant type: single nucleotide variant.
Coding change: c.339A>G on transcript NM_000067.3 (MANE Select); coding-DNA position 339, A replaced by G.
Protein change: p.Lys113=; no amino-acid change (lysine 113 retained).
Molecular consequence: synonymous variant. On other transcripts: intron variant (1).
Genome position (GRCh38, 1-based): chr8:85,473,799, A>G. VCF-style: chr8-85473799-A-G. GRCh37 (hg19) VCF-style: chr8-86386028-A-G.
Other names: c.49-525A>G (NM_001293675.2).
Identifiers: ClinVar variation 1482044 (VCV001482044.34), dbSNP rs370128128, ClinGen allele CA4796476.